The following is an entry in ClinVar:

ClinVar aggregate classification (germline): Uncertain significance (1 of 4 stars; one submission).

Allele frequency attached by ClinVar (database versions not stated): gnomAD exomes 0.00001.
gnomAD v4.1: 3 of 1,614,080 alleles (0.00019%); highest among the groups gnomAD compares: Non-Finnish European, 0.00025%; no homozygotes.

Submission:

Labcorp Genetics (formerly Invitae), Labcorp
Classification: Uncertain significance. Last evaluated: 2024-10-03. Review status: criteria provided, single submitter. Criteria: Invitae Variant Classification Sherloc (09022015). Collection method: clinical testing. Allele origin: germline.
Comment: This sequence change replaces leucine, which is neutral and non-polar, with valine, which is neutral and non-polar, at codon 34 of the ELP1 protein (p.Leu34Val). This variant is not present in population databases (gnomAD no frequency). This variant has not been reported in the literature in individuals affected with ELP1-related conditions. ClinVar contains an entry for this variant (Variation ID: 1508855). Invitae Evidence Modeling of protein sequence and biophysical properties (such as structural, functional, and spatial information, amino acid conservation, physicochemical variation, residue mobility, and thermodynamic stability) indicates that this missense variant is not expected to disrupt ELP1 protein function with a negative predictive value of 80%. In summary, the available evidence is currently insufficient to determine the role of this variant in disease. Therefore, it has been classified as a Variant of Uncertain Significance.

NM_003640.5(ELP1):c.100C>G (p.Leu34Val)

Gene: ELP1 (elongator acetyltransferase complex subunit 1; minus strand). Cytogenetic location: 9q31.3.
Variant type: single nucleotide variant.
Coding change: c.100C>G on transcript NM_003640.5 (MANE Select); coding-DNA position 100, C replaced by G.
Protein change: p.Leu34Val; replaces leucine 34 with valine.
Molecular consequence: missense variant. On other transcripts: 5 prime UTR variant (2).
Genome position (GRCh38, 1-based): chr9:108,931,047, G>C on the plus strand (C>G on the coding strand, the complement: ELP1 is on the minus strand). VCF-style: chr9-108931047-G-C. GRCh37 (hg19) VCF-style: chr9-111693327-G-C.
Other names: c.-243C>G (NM_001318360.2); c.-760C>G (NM_001330749.2); short protein forms L34V.
Identifiers: ClinVar variation 1508855 (VCV001508855.4), dbSNP rs140944971, ClinGen allele CA374394913.